The following is an entry in ClinVar:

NM_006940.6(SOX5):c.1789A>G (p.Met597Val)

Gene: SOX5 (SRY-box transcription factor 5; minus strand). Cytogenetic location: 12p12.1.
Variant type: single nucleotide variant.
Coding change: c.1789A>G on transcript NM_006940.6 (MANE Select); coding-DNA position 1789, A replaced by G.
Protein change: p.Met597Val; replaces methionine 597 with valine.
Molecular consequence: missense variant.
Genome position (GRCh38, 1-based): chr12:23,536,652, T>C on the plus strand (A>G on the coding strand, the complement: SOX5 is on the minus strand). VCF-style: chr12-23536652-T-C. GRCh37 (hg19) VCF-style: chr12-23689586-T-C.
Other names: c.1426A>G, p.Met476Val (NM_001261414.3); c.1759A>G, p.Met587Val (NM_001261415.3); c.1684A>G, p.Met562Val (NM_001330785.2); c.1750A>G, p.Met584Val (NM_152989.5); c.631A>G, p.Met211Val (NM_178010.4); short protein forms M562V, M584V, M587V, M211V, M597V, M476V.
Identifiers: ClinVar variation 873457 (VCV000873457.1), dbSNP rs1940534444, ClinGen allele CA384319622.

ClinVar aggregate classification (germline): Likely pathogenic (1 of 4 stars; one submission).

Conditions:
Lamb-Shaffer syndrome. Identifiers: Orphanet 313884, Orphanet 313892, Orphanet 530983, MedGen C4225202, MONDO:0014778, OMIM 616803.

Submission:

Institute of Human Genetics, University of Leipzig Medical Center
Classification: Likely pathogenic for Lamb-Shaffer syndrome. Last evaluated: 2019-10-28. Review status: criteria provided, single submitter. Criteria: ACMG Guidelines, 2015. Collection method: clinical testing. Allele origin: de novo. Affected: yes.
Comment: The variant was identified as de novo (maternity and paternity confirmed)